The following is an entry in ClinVar:

NM_002230.4(JUP):c.209-118_662del

Gene: JUP (junction plakoglobin; minus strand). Cytogenetic location: 17q21.2.
Variant type: Deletion.
Coding change: c.209-118_662del on transcript NM_002230.4 (MANE Select); 118 bases into the intron before coding-DNA position 209 through coding-DNA position 662, 782 bases deleted.
Molecular consequence: splice acceptor variant, splice donor variant.
Genome position (GRCh38, 1-based): chr17:41,769,014-41,769,795, 782 bases deleted. GRCh37 (hg19): chr17:39,925,266-39,926,047.
Other names: c.209-118_662del (NM_001352774.2, NM_021991.4, NM_001352776.2 and 3 more transcripts).
Identifiers: ClinVar variation 4786102 (VCV004786102.1).

ClinVar aggregate classification (germline): Likely pathogenic (1 of 4 stars; one submission).

Conditions:
Arrhythmogenic right ventricular dysplasia 12. Also called: ARRHYTHMOGENIC RIGHT VENTRICULAR DYSPLASIA, FAMILIAL, 12. Identifiers: MedGen C1969081, MONDO:0012684, OMIM 611528.
Naxos disease (NXD). Also called: WOOLLY HAIR, PALMOPLANTAR KERATODERMA, AND CARDIAC ABNORMALITIES; KERATOSIS PALMOPLANTARIS WITH ARRHYTHMOGENIC CARDIOMYOPATHY; MAL DE NAXOS; PALMOPLANTAR KERATODERMA WITH ARRHYTHMOGENIC RIGHT VENTRICULAR CARDIOMYOPATHY AND WOOLLY HAIR; CARDIOMYOPATHY, ARRHYTHMOGENIC RIGHT VENTRICULAR, WITH SKIN, HAIR, AND NAIL ABNORMALITIES. Identifiers: Orphanet 34217, MedGen C1832600, MONDO:0011017, OMIM 601214.

Submission:

Labcorp Genetics (formerly Invitae), Labcorp
Classification: Likely pathogenic for Arrhythmogenic right ventricular dysplasia 12; Naxos disease. Last evaluated: 2025-10-22. Review status: criteria provided, single submitter. Criteria: Invitae Variant Classification Sherloc (09022015). Collection method: clinical testing. Allele origin: germline.
Comment: This variant results in the deletion of exon 3 and part of exon 4 (c.209-118_662del) of the JUP gene. It is expected to disrupt RNA splicing. Variants that disrupt the donor or acceptor splice site typically lead to a loss of protein function (PMID: 16199547), and loss-of-function variants in JUP are known to be pathogenic (PMID: 10902626). This variant is not present in population databases (gnomAD no frequency). This variant has not been reported in the literature in individuals affected with JUP-related conditions. In summary, the currently available evidence indicates that the variant is pathogenic, but additional data are needed to prove that conclusively. Therefore, this variant has been classified as Likely Pathogenic.

Literature cited by the submitters: PubMed 16199547; PubMed 10902626.